The following is an entry in ClinVar:

ClinVar aggregate classification (germline): Likely pathogenic (1 of 4 stars; one submission).

Conditions:
RET-related disorder. Also called: RET-related condition; RET-related disease; RET-related disorders.

Submission:

PreventionGenetics, part of Exact Sciences
Classification: Likely pathogenic for RET-related condition. Last evaluated: 2025-04-09. Review status: criteria provided, single submitter. Criteria: ACMG Guidelines, 2015. Collection method: clinical testing. Allele origin: germline.
Comment: The RET c.697C>T variant is predicted to result in premature protein termination (p.Gln233*). To our knowledge, this variant has not been reported in the literature or in a large population database (gnomAD), indicating this variant is rare. Nonsense variants in RET are expected to be pathogenic. This variant is interpreted as likely pathogenic.

NM_020975.6(RET):c.697C>T (p.Gln233Ter)

Gene: RET (ret proto-oncogene; plus strand). Cytogenetic location: 10q11.21.
Variant type: single nucleotide variant.
Coding change: c.697C>T on transcript NM_020975.6 (MANE Select); coding-DNA position 697, C replaced by T.
Protein change: p.Gln233Ter; replaces glutamine 233 with a stop codon.
Molecular consequence: nonsense. On other transcripts: 5 prime UTR variant (1), intron variant (22).
Genome position (GRCh38, 1-based): chr10:43,105,023, C>T. VCF-style: chr10-43105023-C-T. GRCh37 (hg19) VCF-style: chr10-43600471-C-T.
Other names: c.-66C>T (NM_001355216.2); c.697C>T, p.Gln233Ter (NM_001406743.1, NM_001406744.1, NM_001406759.1 and 6 more transcripts); c.568C>T, p.Gln190Ter (NM_001406761.1, NM_001406762.1, NM_001406764.1 and 2 more transcripts); c.409C>T, p.Gln137Ter (NM_001406766.1, NM_001406767.1, NM_001406770.1); c.625+2394C>T (NM_001406773.1, NM_001406771.1, NM_001406782.1 and 5 more transcripts); c.496+2394C>T (NM_001406786.1, NM_001406783.1); c.338-4008C>T (NM_001406778.1, NM_001406775.1, NM_001406776.1 and 1 more transcripts); c.337+4301C>T (NM_001406790.1, NM_001406788.1, NM_001406789.1 and 1 more transcripts); and 2 more; short protein forms Q137*, Q190*, Q233*.
Identifiers: ClinVar variation 4997794 (VCV004997794.1).